The following is an entry in ClinVar:

ClinVar aggregate classification (germline): Uncertain significance (1 of 4 stars; one submission).

Allele frequency attached by ClinVar (database versions not stated): gnomAD exomes below 0.00001; TOPMed below 0.00001; gnomAD 0.00001.
gnomAD v4.1: 3 of 1,614,076 alleles (0.00019%); highest among the groups gnomAD compares: East Asian, 0.0022%; no homozygotes.

Submission:

GeneDx
Classification: Uncertain significance. Last evaluated: 2017-04-03. Review status: criteria provided, single submitter. Criteria: GeneDx Variant Classification (06012015). Collection method: clinical testing. Allele origin: germline. Affected: yes.
Comment: The T127I variant in the PGAP3 gene has not been reported previously as a pathogenic variant, nor as a benign variant, to our knowledge. The T127I variant is not observed in large population cohorts (Lek et al., 2016; 1000 Genomes Consortium et al., 2015; Exome Variant Server). The T127I variant is a non-conservative amino acid substitution, which is likely to impact secondary protein structure as these residues differ in polarity, charge, size and/or other properties. However, this substitution occurs at a position that is not conserved. In silico analysis is inconsistent in its predictions as to whether or not the variant is damaging to the protein structure/function. We interpret T127I as a variant of uncertain significance.

NM_033419.5(PGAP3):c.380C>T (p.Thr127Ile)

Gene: PGAP3 (post-GPI attachment to proteins phospholipase 3; minus strand). Cytogenetic location: 17q12.
Variant type: single nucleotide variant.
Coding change: c.380C>T on transcript NM_033419.5 (MANE Select); coding-DNA position 380, C replaced by T.
Protein change: p.Thr127Ile; replaces threonine 127 with isoleucine.
Molecular consequence: missense variant. On other transcripts: intron variant (1).
Genome position (GRCh38, 1-based): chr17:39,684,649, G>A on the plus strand (C>T on the coding strand, the complement: PGAP3 is on the minus strand). VCF-style: chr17-39684649-G-A. GRCh37 (hg19) VCF-style: chr17-37840902-G-A.
Other names: c.380C>T, p.Thr127Ile (NM_001291728.2, NM_001291730.2, NM_001291732.2 and 1 more transcripts); c.279+1273C>T (NM_001291726.2); short protein forms T127I.
Identifiers: ClinVar variation 426824 (VCV000426824.2), dbSNP rs1085307817, ClinGen allele CA399260846.
Genomic context (GRCh38, chr17:39,684,649, plus strand): 5'-TTACCTACCCAGGCGAAGGCCACACAGGTGTGGTACATGGGGGAGGAGGCTGGCACGAAG[G>A]TGCGGTAGCGGCAGAGCATCACCAGGCTGGCCAGGCCATTGAGAAACGAGGCCACGGCCG-3'
Protein context (NP_219487.3, residues 117-137): ASLVMLCRYR[Thr127Ile]FVPASSPMYH